The following is an entry in ClinVar:

ClinVar aggregate classification (germline): Uncertain significance. Review status: criteria provided, multiple submitters, no conflicts (2 of 4 stars). 2 submissions from 2 submitters: Uncertain significance (2). Last evaluated 2022-05-04.

Conditions:
Gorlin syndrome. Also called: Nevoid Basal Cell Carcinoma Syndrome; Basal cell nevus syndrome. Identifiers: Orphanet 377, MedGen C0004779, MONDO:0007187.

Submissions (2):

Mendelics
Classification: Uncertain significance. Last evaluated: 2022-05-04. Review status: criteria provided, single submitter. Criteria: Mendelics Assertion Criteria 2019. Collection method: clinical testing. Allele origin: germline.

Labcorp Genetics (formerly Invitae), Labcorp
Classification: Uncertain significance for Gorlin syndrome. Last evaluated: 2021-09-08. Review status: criteria provided, single submitter. Criteria: Invitae Variant Classification Sherloc (09022015). Collection method: clinical testing. Allele origin: germline.
Comment: This sequence change replaces serine with isoleucine at codon 649 of the PTCH1 protein (p.Ser649Ile). The serine residue is moderately conserved and there is a large physicochemical difference between serine and isoleucine. This variant is not present in population databases (ExAC no frequency). This variant has not been reported in the literature in individuals affected with PTCH1-related conditions. Advanced modeling of protein sequence and biophysical properties (such as structural, functional, and spatial information, amino acid conservation, physicochemical variation, residue mobility, and thermodynamic stability) performed at Invitae indicates that this missense variant is not expected to disrupt PTCH1 protein function. In summary, the available evidence is currently insufficient to determine the role of this variant in disease. Therefore, it has been classified as a Variant of Uncertain Significance.

NM_000264.5(PTCH1):c.1946G>T (p.Ser649Ile)

Genes: PTCH1 (patched 1; minus strand), LOC100507346 (uncharacterized LOC100507346; plus strand). Cytogenetic location: 9q22.32.
Variant type: single nucleotide variant.
Coding change: c.1946G>T on transcript NM_000264.5 (MANE Select); coding-DNA position 1946, G replaced by T.
Protein change: p.Ser649Ile; replaces serine 649 with isoleucine.
Molecular consequence: missense variant. On other transcripts: non-coding transcript variant (2).
Genome position (GRCh38, 1-based): chr9:95,469,055, C>A on the plus strand (G>T on the coding strand, the complement: PTCH1 is on the minus strand). VCF-style: chr9-95469055-C-A. GRCh37 (hg19) VCF-style: chr9-98231337-C-A.
Other names: c.1748G>T, p.Ser583Ile (NM_001083602.3); c.1943G>T, p.Ser648Ile (NM_001083603.3); c.1493G>T, p.Ser498Ile (NM_001083604.3, NM_001083605.3, NM_001083606.3 and 1 more transcripts); c.1790G>T, p.Ser597Ile (NM_001354918.2); short protein forms S498I, S583I, S597I, S648I, S649I.
Identifiers: ClinVar variation 1484324 (VCV001484324.7), dbSNP rs2118051663, ClinGen allele CA374115987.